The following is an entry in ClinVar:

NM_016222.4(DDX41):c.298+3G>C

Gene: DDX41 (DEAD-box helicase 41; minus strand). Cytogenetic location: 5q35.3.
Variant type: single nucleotide variant.
Coding change: c.298+3G>C on transcript NM_016222.4 (MANE Select); 3 bases into the intron after coding-DNA position 298, G replaced by C.
Molecular consequence: intron variant.
Genome position (GRCh38, 1-based): chr5:177,516,285, C>G on the plus strand (G>C on the coding strand, the complement: DDX41 is on the minus strand). VCF-style: chr5-177516285-C-G. GRCh37 (hg19) VCF-style: chr5-176943286-C-G.
Other names: c.-81+3G>C (NM_001321830.2, NM_001321732.2).
Identifiers: ClinVar variation 4238728 (VCV004238728.1).
Genomic context (GRCh38, chr5:177,516,285, plus strand): 5'-TACCAAAACGGTGTACCAGGCTCAGCTTCTTCTTTCTCGCCCAGGCAGTGCTGCCCAGCC[C>G]ACCTTCAGCCTTCTCTTTAAGGTGCTGGTGCTGATCCAGGAGGCTGACGTTGGACTGAGG-3'

ClinVar aggregate classification (germline): Uncertain significance (1 of 4 stars; one submission).

Conditions:
Inborn genetic diseases. Identifiers: MedGen C0950123, MeSH D030342.

Submission:

Ambry Genetics
Classification: Uncertain significance for Inborn genetic diseases. Last evaluated: 2025-07-02. Review status: criteria provided, single submitter. Criteria: Ambry Variant Classification Scheme 2023. Collection method: clinical testing. Allele origin: germline.
Comment: The c.298+3G>C intronic variant results from a G to C substitution 3 nucleotides after coding exon 3 in the DDX41 gene. This nucleotide position is well conserved in available vertebrate species. In silico splice site analysis predicts that this alteration may weaken the native splice donor site. Based on the available evidence, the clinical significance of this variant remains unclear.